The following is an entry in ClinVar:

NM_013275.6(ANKRD11):c.7073dup (p.Cys2359fs)

Gene: ANKRD11 (ankyrin repeat domain containing 11; minus strand). Cytogenetic location: 16q24.3.
Variant type: Duplication.
Coding change: c.7073dup on transcript NM_013275.6 (MANE Select); coding-DNA position 7073, one base duplicated (A; older notation c.7073dupA).
Protein change: p.Cys2359fs; shifts the reading frame from cysteine 2359.
Molecular consequence: frameshift variant.
Genome position (GRCh38, 1-based): chr16:89,279,469, T duplicated on the plus strand (A on the coding strand, the reverse complement: ANKRD11 is on the minus strand). VCF-style (leftmost placement, unchanged base first): chr16-89279468-C-CT. GRCh37 (hg19) VCF-style: chr16-89345876-C-CT.
Other names: c.7073dup, p.Cys2359fs (NM_001256182.2, NM_001256183.2); short protein forms C2359fs.
Identifiers: ClinVar variation 3866343 (VCV003866343.1).
Genomic context (GRCh38, chr16:89,279,468, plus strand): 5'-GTCGTCGTCCTCGGAGCCGCGGGCCTTGGCCCTGGTGACCGGGGCAGGGGTGGGGGCGCA[C>CT]TCCTTCTCGGAGGGGGGCGGGCCCTGCTTGCTCTGGTTCGCGAGCATCTGCGCCCGGTTC-3'

ClinVar aggregate classification (germline): Pathogenic (1 of 4 stars; one submission).

Conditions:
Inborn genetic diseases. Identifiers: MedGen C0950123, MeSH D030342.

Submission:

Ambry Genetics
Classification: Pathogenic for Inborn genetic diseases. Last evaluated: 2024-12-26. Review status: criteria provided, single submitter. Criteria: Ambry Variant Classification Scheme 2023. Collection method: clinical testing. Allele origin: germline.
Comment: The c.7073dupA (p.C2359Vfs*173) alteration, located in exon 9 (coding exon 7) of the ANKRD11 gene, consists of a duplication of A at position 7073, causing a translational frameshift with a predicted alternate stop codon after 173 amino acids. This alteration is expected to result in loss of function by premature protein truncation or nonsense-mediated mRNA decay. This variant was not reported in population-based cohorts in the Genome Aggregation Database (gnomAD). Based on the available evidence, this alteration is classified as pathogenic.